The following is an entry in ClinVar:

NM_001375524.1(TRRAP):c.4037A>T (p.Glu1346Val)

Gene: TRRAP (transformation/transcription domain associated protein; plus strand). Cytogenetic location: 7q22.1.
Variant type: single nucleotide variant.
Coding change: c.4037A>T on transcript NM_001375524.1 (MANE Select); coding-DNA position 4037, A replaced by T.
Protein change: p.Glu1346Val; replaces glutamic acid 1346 with valine.
Molecular consequence: missense variant.
Genome position (GRCh38, 1-based): chr7:98,935,601, A>T. VCF-style: chr7-98935601-A-T. GRCh37 (hg19) VCF-style: chr7-98533224-A-T.
Other names: c.4037A>T, p.Glu1346Val (NM_001244580.2, NM_003496.4); short protein forms E1346V.
Identifiers: ClinVar variation 3640638 (VCV003640638.2).

ClinVar aggregate classification (germline): Uncertain significance (1 of 4 stars; one submission).

Submission:

Labcorp Genetics (formerly Invitae), Labcorp
Classification: Uncertain significance. Last evaluated: 2024-04-02. Review status: criteria provided, single submitter. Criteria: Invitae Variant Classification Sherloc (09022015). Collection method: clinical testing. Allele origin: germline.
Comment: This sequence change replaces glutamic acid, which is acidic and polar, with valine, which is neutral and non-polar, at codon 1346 of the TRRAP protein (p.Glu1346Val). This variant is not present in population databases (gnomAD no frequency). This variant has not been reported in the literature in individuals affected with TRRAP-related conditions. Advanced modeling of protein sequence and biophysical properties (such as structural, functional, and spatial information, amino acid conservation, physicochemical variation, residue mobility, and thermodynamic stability) has been performed at Invitae for this missense variant, however the output from this modeling did not meet the statistical confidence thresholds required to predict the impact of this variant on TRRAP protein function. In summary, the available evidence is currently insufficient to determine the role of this variant in disease. Therefore, it has been classified as a Variant of Uncertain Significance.